The following is an entry in ClinVar:

NM_004415.4(DSP):c.1345A>G (p.Lys449Glu)

Gene: DSP (desmoplakin; plus strand). Cytogenetic location: 6p24.3.
Variant type: single nucleotide variant.
Coding change: c.1345A>G on transcript NM_004415.4 (MANE Select); coding-DNA position 1345, A replaced by G.
Protein change: p.Lys449Glu; replaces lysine 449 with glutamic acid.
Molecular consequence: missense variant.
Genome position (GRCh38, 1-based): chr6:7,568,515, A>G. VCF-style: chr6-7568515-A-G. GRCh37 (hg19) VCF-style: chr6-7568748-A-G.
Other names: c.1345A>G, p.Lys449Glu (NM_001008844.3, NM_001319034.2, NM_001406591.1); short protein forms K449E.
Identifiers: ClinVar variation 4757699 (VCV004757699.1).

ClinVar aggregate classification (germline): Uncertain significance (1 of 4 stars; one submission).

Conditions:
Cardiomyopathy (CMYO). Also called: Cardiomyopathies. Identifiers: Orphanet 167848, MedGen C0878544, MONDO:0004994, HP:0001638. Inheritance: Various modes of inheritance.

Submission:

Color Diagnostics, LLC DBA Color Health
Classification: Uncertain significance for Cardiomyopathy. Last evaluated: 2025-07-21. Review status: criteria provided, single submitter. Criteria: ACMG Guidelines, 2015. Collection method: clinical testing. Allele origin: germline.
Comment: This missense variant replaces lysine with glutamic acid at codon 449 of the DSP protein. Computational prediction suggests that this variant may not impact protein structure and function. To our knowledge, functional studies have not been reported for this variant. This variant has not been reported in individuals affected with DSP-related disorders in the literature. This variant has not been identified in the general population by the Genome Aggregation Database (gnomAD). The available evidence is insufficient to determine the role of this variant in disease conclusively. Therefore, this variant is classified as a Variant of Uncertain Significance.